The following is an entry in ClinVar:

ClinVar aggregate classification (germline): Pathogenic/Likely pathogenic. Review status: criteria provided, multiple submitters, no conflicts (2 of 4 stars). 4 submissions from 4 submitters: Pathogenic (1); Likely pathogenic (1). 2 of the submissions do not count toward it. Last evaluated 2024-07-19.

Conditions:
FECH-related disorder. Also called: FECH-related condition.
Protoporphyria, erythropoietic, 1 (EPP1). Also called: Erythropoietic Protoporphyria, Autosomal Recessive; FERROCHELATASE DEFICIENCY; HEME SYNTHETASE DEFICIENCY. Identifiers: Orphanet 79278, MedGen C4692546, MONDO:0008319, OMIM 177000.

Submissions (4):

Labcorp Genetics (formerly Invitae), Labcorp
Classification: Pathogenic. Last evaluated: 2024-07-19. Review status: criteria provided, single submitter. Criteria: Invitae Variant Classification Sherloc (09022015). Collection method: clinical testing. Allele origin: germline.
Comment: This sequence change creates a premature translational stop signal (p.Lys379Argfs*21) in the FECH gene. While this is not anticipated to result in nonsense mediated decay, it is expected to disrupt the last 45 amino acid(s) of the FECH protein. This variant is present in population databases (rs764466739, gnomAD 0.0009%). This premature translational stop signal has been observed in individual(s) with protoporphyric liver disease (PMID: 9649563). This variant is also known as 1135AA → A. ClinVar contains an entry for this variant (Variation ID: 558). Algorithms developed to predict the effect of sequence changes on RNA splicing suggest that this variant may disrupt the consensus splice site. This variant disrupts a region of the FECH protein in which other variant(s) (p.Cys406Tyr) have been determined to be pathogenic (PMID: 10942404; Invitae). This suggests that this is a clinically significant region of the protein, and that variants that disrupt it are likely to be disease-causing. For these reasons, this variant has been classified as Pathogenic.

Department of Pathology and Laboratory Medicine, Sinai Health System
Classification: Likely pathogenic for protoporphyria, erythropoietic, 1. Last evaluated: 2020-06-23. Review status: criteria provided, single submitter. Criteria: ACMG Guidelines, 2015. Collection method: research. Allele origin: germline.

PreventionGenetics, part of Exact Sciences
Classification: Pathogenic for FECH-related condition. Last evaluated: 2024-09-16. Review status: no assertion criteria provided. Collection method: clinical testing. Allele origin: germline. Not counted in ClinVar's aggregate classification.
Comment: The FECH c.1136delA variant is predicted to result in a frameshift and premature protein termination (p.Lys379Argfs*21). This variant, previously described as 1135AA->A, has been documented to be causative for erythropoietic protoporphyria (Bloomer et al 1998. PubMed ID: 9649563). This variant is reported in 0.00088% of alleles in individuals of European (Non-Finnish) descent in gnomAD. Frameshift variants in FECH are expected to be pathogenic. This variant is interpreted as pathogenic.

OMIM
Classification: Pathogenic for PROTOPORPHYRIA, ERYTHROPOIETIC, 1. Last evaluated: 1998-07-01. Review status: no assertion criteria provided. Collection method: literature only. Allele origin: germline. Not counted in ClinVar's aggregate classification.

Literature cited by the submitters: PubMed 9649563 (cited by Labcorp Genetics (formerly Invitae), Labcorp and OMIM); PubMed 10942404 (cited by Labcorp Genetics (formerly Invitae), Labcorp).

NM_000140.5(FECH):c.1136del (p.Lys379fs)

Gene: FECH (ferrochelatase; minus strand). Cytogenetic location: 18q21.31.
Variant type: Deletion.
Coding change: c.1136del on transcript NM_000140.5 (MANE Select); coding-DNA position 1136, one base deleted (A; older notation c.1136delA).
Protein change: p.Lys379fs; shifts the reading frame from lysine 379.
Molecular consequence: frameshift variant. On other transcripts: intron variant (1).
Genome position (GRCh38, 1-based): chr18:57,551,316, T deleted on the plus strand (A on the coding strand, the reverse complement: FECH is on the minus strand); the first of 2 consecutive T bases (chr18:57,551,316-57,551,317); deleting either gives the same sequence. VCF-style (leftmost placement, unchanged base first): chr18-57551315-CT-C. GRCh37 (hg19) VCF-style: chr18-55218547-CT-C.
Other names: c.1154del, p.Lys385fs (NM_001012515.4); c.1037del, p.Lys346fs (NM_001371094.1); c.920del, p.Lys307fs (NM_001371095.1); c.1078-470del (NM_001374778.1); c.1136delA (NM_000140.3); c.1154delA (NM_001012515.4); short protein forms K379fs, K385fs, K307fs, K346fs.
Identifiers: ClinVar variation 558 (VCV000000558.6), dbSNP rs764466739, ClinGen allele CA251518.
Genomic context (GRCh38, chr18:57,551,315, plus strand): 5'-GTTTCTCAGAGGATTACTCTCTGGTATGTTCTACTAAAACGATTGTAACACTGTAGATAC[CT>C]TAGAGAACAATGGATTTCCATTAAGAGACTCAGCTCTTCTGATGTTTTCAACTCCACACT-3'